The following is an entry in ClinVar:

ClinVar aggregate classification (germline): Uncertain significance. Review status: criteria provided, multiple submitters, no conflicts (2 of 4 stars). 2 submissions from 2 submitters: Uncertain significance (2). Last evaluated 2026-01-13.

Allele frequency attached by ClinVar (database versions not stated): gnomAD exomes 0.00001.
gnomAD v4.1: 2 of 1,614,038 alleles (0.00012%); highest among the groups gnomAD compares: Admixed American, 0.0033%; no homozygotes.

Submissions (2):

GeneDx
Classification: Uncertain significance. Last evaluated: 2026-01-13. Review status: criteria provided, single submitter. Criteria: GeneDx Variant Classification Process June 2021. Collection method: clinical testing. Allele origin: germline.
Comment: Has not been previously published as pathogenic or benign to our knowledge; In silico analysis supports that this missense variant has a deleterious effect on protein structure/function

Labcorp Genetics (formerly Invitae), Labcorp
Classification: Uncertain significance. Last evaluated: 2021-11-11. Review status: criteria provided, single submitter. Criteria: Invitae Variant Classification Sherloc (09022015). Collection method: clinical testing. Allele origin: germline.
Comment: This sequence change replaces lysine, which is basic and polar, with asparagine, which is neutral and polar, at codon 722 of the PLAA protein (p.Lys722Asn). This variant is present in population databases (no rsID available, gnomAD 0.006%). This variant has not been reported in the literature in individuals affected with PLAA-related conditions. Algorithms developed to predict the effect of missense changes on protein structure and function are either unavailable or do not agree on the potential impact of this missense change (SIFT: "Tolerated"; PolyPhen-2: "Probably Damaging"; Align-GVGD: "Class C0"). In summary, the available evidence is currently insufficient to determine the role of this variant in disease. Therefore, it has been classified as a Variant of Uncertain Significance.

NM_001031689.3(PLAA):c.2166A>T (p.Lys722Asn)

Gene: PLAA (phospholipase A2 activating protein; minus strand). Cytogenetic location: 9p21.2.
Variant type: single nucleotide variant.
Coding change: c.2166A>T on transcript NM_001031689.3 (MANE Select); coding-DNA position 2166, A replaced by T.
Protein change: p.Lys722Asn; replaces lysine 722 with asparagine.
Molecular consequence: missense variant.
Genome position (GRCh38, 1-based): chr9:26,905,733, T>A on the plus strand (A>T on the coding strand, the complement: PLAA is on the minus strand). VCF-style: chr9-26905733-T-A. GRCh37 (hg19) VCF-style: chr9-26905731-T-A.
Other names: c.2097A>T, p.Lys699Asn (NM_001321546.2); short protein forms K699N, K722N.
Identifiers: ClinVar variation 1358878 (VCV001358878.5), dbSNP rs1485708739, ClinGen allele CA373125692.